The following is an entry in ClinVar:

ClinVar aggregate classification (germline): Uncertain significance. Review status: criteria provided, multiple submitters, no conflicts (2 of 4 stars). 3 submissions from 3 submitters: Uncertain significance (3). Last evaluated 2026-07-01.

Conditions:
Inborn genetic diseases. Identifiers: MedGen C0950123, MeSH D030342.

Allele frequency attached by ClinVar (database versions not stated): gnomAD 0.00002; ExAC 0.00025.

Submissions (3):

CeGaT Center for Human Genetics Tuebingen
Classification: Uncertain significance. Last evaluated: 2026-07-01. Review status: criteria provided, single submitter. Criteria: CeGaT Center For Human Genetics Tuebingen Variant Classification Criteria Version 2. Collection method: clinical testing. Allele origin: germline. Affected: yes. Observed: 1 variant allele.
Comment: HERC2: PM2, BP4

GeneDx
Classification: Uncertain significance. Last evaluated: 2025-11-13. Review status: criteria provided, single submitter. Criteria: GeneDx Variant Classification Process June 2021. Collection method: clinical testing. Allele origin: germline. Affected: yes.
Comment: Not observed at significant frequency in large population cohorts (gnomAD); In silico analysis suggests that this missense variant does not alter protein structure/function; Has not been previously published as pathogenic or benign to our knowledge

Ambry Genetics
Classification: Uncertain significance for Inborn genetic diseases. Last evaluated: 2023-05-03. Review status: criteria provided, single submitter. Criteria: Ambry Variant Classification Scheme 2023. Collection method: clinical testing. Allele origin: germline.

NM_004667.6(HERC2):c.7372G>A (p.Ala2458Thr)

Gene: HERC2 (HECT and RLD domain containing E3 ubiquitin protein ligase 2; minus strand). Cytogenetic location: 15q13.1.
Variant type: single nucleotide variant.
Coding change: c.7372G>A on transcript NM_004667.6 (MANE Select); coding-DNA position 7372, G replaced by A.
Protein change: p.Ala2458Thr; replaces alanine 2458 with threonine.
Molecular consequence: missense variant.
Genome position (GRCh38, 1-based): chr15:28,202,455, C>T on the plus strand (G>A on the coding strand, the complement: HERC2 is on the minus strand). VCF-style: chr15-28202455-C-T. GRCh37 (hg19) VCF-style: chr15-28447601-C-T.
Other names: c.7372G>A (NM_004667.5); short protein forms A2458T.
Identifiers: ClinVar variation 2509430 (VCV002509430.5), dbSNP rs750683881, ClinGen allele CA7441838.
Genomic context (GRCh38, chr15:28,202,455, plus strand): 5'-CAAACTCGATGTTCCTTCTGGAAAATCCCATCTCCATGAGCTGCACCACGATCGGCAGAG[C>T]GGGAACGGGCGACTGCTTGCGCCTCTTCACTCTGGCAGGGCGGATGTGCTGCACGGCGAC-3'
Protein context (NP_004658.3, residues 2448-2468): VKRRKQSPVP[Ala2458Thr]LPIVVQLMEM